The following is an entry in ClinVar:

NM_000051.4(ATM):c.4775A>T (p.Glu1592Val)

Gene: ATM (ATM serine/threonine kinase; plus strand). Cytogenetic location: 11q22.3.
Variant type: single nucleotide variant.
Coding change: c.4775A>T on transcript NM_000051.4 (MANE Select); coding-DNA position 4775, A replaced by T.
Protein change: p.Glu1592Val; replaces glutamic acid 1592 with valine.
Molecular consequence: missense variant.
Genome position (GRCh38, 1-based): chr11:108,293,476, A>T. VCF-style: chr11-108293476-A-T. GRCh37 (hg19) VCF-style: chr11-108164203-A-T.
Other names: c.4775A>T, p.Glu1592Val (NM_001351834.2); short protein forms E1592V.
Identifiers: ClinVar variation 1999188 (VCV001999188.4), dbSNP rs1565463405, ClinGen allele CA382535211.
Genomic context (GRCh38, chr11:108,293,476, plus strand): 5'-AGGATTTGCGTATTACTCAGCAAAAAATCAAATACAGTAGAGGACCCTTTTCACTCTTGG[A>T]GGTAATAAAAATTTCATCATCTACTATTTTTTATTAGAGAACATAGTAGTACTTTTCAAA-3'
Protein context (NP_000042.3, residues 1582-1602): KYSRGPFSLL[Glu1592Val]EINHFLSVSV

ClinVar aggregate classification (germline): Pathogenic (1 of 4 stars; one submission).

Conditions:
Ataxia-telangiectasia syndrome (AT). Also called: Ataxia-telangiectasia, complementation group E; Ataxia-telangiectasia; ATAXIA-TELANGIECTASIA, COMPLEMENTATION GROUP A; Ataxia-telangiectasia, complementation group D; Ataxia telangiectasia (A-T); LOUIS-BAR SYNDROME. Identifiers: Orphanet 100, MedGen C0004135, MONDO:0008840, OMIM 208900.

Submission:

Labcorp Genetics (formerly Invitae), Labcorp
Classification: Pathogenic for Ataxia-telangiectasia syndrome. Last evaluated: 2022-05-26. Review status: criteria provided, single submitter. Criteria: Invitae Variant Classification Sherloc (09022015). Collection method: clinical testing. Allele origin: germline.
Comment: For these reasons, this variant has been classified as Pathogenic. Other variant(s) that result in exon 31 skipping have been determined to be pathogenic (PMID: 2491181, 9497252, 9711876; Invitae). This suggests that this variant may also be clinically significant and likely to be disease-causing. Studies have shown that this missense change results in skipping of exon 31, but is expected to preserve the integrity of the reading-frame (Invitae). Algorithms developed to predict the effect of missense changes on protein structure and function are either unavailable or do not agree on the potential impact of this missense change (SIFT: "Tolerated"; PolyPhen-2: "Possibly Damaging"; Align-GVGD: "Class C0"). This variant has not been reported in the literature in individuals affected with ATM-related conditions. This variant is not present in population databases (gnomAD no frequency). This sequence change replaces glutamic acid, which is acidic and polar, with valine, which is neutral and non-polar, at codon 1592 of the ATM protein (p.Glu1592Val). RNA analysis indicates that this missense change induces altered splicing and likely results in a shortened protein product.

Literature cited by the submitters: PubMed 2491181; PubMed 9497252; PubMed 9711876.